The following is an entry in ClinVar:

ClinVar aggregate classification (germline): Pathogenic (1 of 4 stars; one submission).

Allele frequency attached by ClinVar (database versions not stated): gnomAD exomes below 0.00001; ExAC 0.00001.
gnomAD v4.1: 4 of 1,614,112 alleles (0.00025%); highest among the groups gnomAD compares: Non-Finnish European, 0.00034%; no homozygotes.

Submission:

Labcorp Genetics (formerly Invitae), Labcorp
Classification: Pathogenic. Last evaluated: 2021-07-26. Review status: criteria provided, single submitter. Criteria: Invitae Variant Classification Sherloc (09022015). Collection method: clinical testing. Allele origin: germline.
Comment: For these reasons, this variant has been classified as Pathogenic. This variant has not been reported in the literature in individuals affected with PCARE-related conditions. The frequency data for this variant in the population databases is considered unreliable, as metrics indicate poor data quality at this position in the ExAC database. This sequence change creates a premature translational stop signal (p.Trp371*) in the PCARE gene. It is expected to result in an absent or disrupted protein product. Loss-of-function variants in PCARE are known to be pathogenic (PMID: 20398886, 24339724, 26496393).

Literature cited by the submitters: PubMed 20398886; PubMed 24339724; PubMed 26496393.

NM_001029883.3(PCARE):c.1113G>A (p.Trp371Ter)

Gene: PCARE (photoreceptor cilium actin regulator; minus strand). Cytogenetic location: 2p23.2.
Variant type: single nucleotide variant.
Coding change: c.1113G>A on transcript NM_001029883.3 (MANE Select); coding-DNA position 1113, G replaced by A.
Protein change: p.Trp371Ter; replaces tryptophan 371 with a stop codon.
Molecular consequence: nonsense.
Genome position (GRCh38, 1-based): chr2:29,073,149, C>T on the plus strand (G>A on the coding strand, the complement: PCARE is on the minus strand). VCF-style: chr2-29073149-C-T. GRCh37 (hg19) VCF-style: chr2-29296015-C-T.
Other names: short protein forms W371*.
Identifiers: ClinVar variation 1415689 (VCV001415689.6), dbSNP rs745486206, ClinGen allele CA1592497.